The following is an entry in ClinVar:

NM_000179.3(MSH6):c.2475T>A (p.Ile825=)

Gene: MSH6 (mutS homolog 6; plus strand). Cytogenetic location: 2p16.3.
Variant type: single nucleotide variant.
Coding change: c.2475T>A on transcript NM_000179.3 (MANE Select); coding-DNA position 2475, T replaced by A.
Protein change: p.Ile825=; no amino-acid change (isoleucine 825 retained).
Molecular consequence: synonymous variant.
Genome position (GRCh38, 1-based): chr2:47,800,458, T>A. VCF-style: chr2-47800458-T-A. GRCh37 (hg19) VCF-style: chr2-48027597-T-A.
Other names: c.2085T>A, p.Ile695= (NM_001281492.2); c.1569T>A, p.Ile523= (NM_001281493.2, NM_001281494.2).
Identifiers: ClinVar variation 794819 (VCV000794819.12), dbSNP rs1572727298, ClinGen allele CA426121484.

ClinVar aggregate classification (germline): Benign/Likely benign. Review status: criteria provided, multiple submitters, no conflicts (2 of 4 stars). 3 submissions from 3 submitters: Benign (1); Likely benign (2). Last evaluated 2024-12-31.

Conditions:
Hereditary nonpolyposis colorectal neoplasms. Identifiers: MedGen C0009405, MeSH D003123.
Lynch syndrome 5 (LYNCH5). Also called: Colorectal cancer, hereditary nonpolyposis, type 5; Hereditary non-polyposis colorectal cancer, type 5. Identifiers: Orphanet 144, MedGen C1833477, MONDO:0013710, OMIM 614350. Disease mechanism: loss of function.
Hereditary cancer-predisposing syndrome. Also called: Neoplastic Syndromes, Hereditary; Hereditary neoplastic syndrome; Tumor predisposition; Hereditary Cancer Syndrome. Identifiers: Orphanet 140162, MedGen C0027672, MeSH D009386, MONDO:0015356.

Submissions (3):

Myriad Genetics, Inc.
Classification: Benign for Lynch syndrome 5. Last evaluated: 2024-12-31. Review status: criteria provided, single submitter. Criteria: Myriad Autosomal Dominant, Autosomal Recessive and X-Linked Classification Criteria (2023). Collection method: clinical testing. Allele origin: unknown.
Comment: This variant is considered benign. This variant is a silent/synonymous amino acid change and it is not expected to impact splicing.

Labcorp Genetics (formerly Invitae), Labcorp
Classification: Likely benign for Hereditary nonpolyposis colorectal neoplasms. Last evaluated: 2022-12-10. Review status: criteria provided, single submitter. Criteria: Invitae Variant Classification Sherloc (09022015). Collection method: clinical testing. Allele origin: germline.

Ambry Genetics
Classification: Likely benign for Hereditary cancer-predisposing syndrome. Last evaluated: 2019-03-18. Review status: criteria provided, single submitter. Criteria: Ambry Variant Classification Scheme 2023. Collection method: clinical testing. Allele origin: germline.